The following is an entry in ClinVar:

ClinVar aggregate classification (germline): Likely benign. Review status: criteria provided, multiple submitters, no conflicts (2 of 4 stars). 2 submissions from 2 submitters: Likely benign (2). Last evaluated 2026-05-15.

Conditions:
CCT2-related condition.

Allele frequency attached by ClinVar (database versions not stated): gnomAD exomes 0.00002 and 0.00006; ExAC 0.00008; ESP Exome Variant Server 0.00015; TOPMed 0.00019; gnomAD 0.00023 and 0.00025; 1000 Genomes Project 0.00040; 1000 Genomes Project 30x 0.00047.
gnomAD v4.1: 60 of 1,612,650 alleles (0.0037%); highest among the groups gnomAD compares: African/African-American, 0.069%; no homozygotes.

Submissions (2):

PreventionGenetics, part of Exact Sciences
Classification: Likely benign for CCT2-related condition. Last evaluated: 2026-05-15. Review status: criteria provided, single submitter. Criteria: ACMG Guidelines, 2015. Collection method: clinical testing. Allele origin: germline.
Comment: This variant is classified as likely benign based on ACMG/AMP sequence variant interpretation guidelines (Richards et al. 2015 PMID: 25741868, with internal and published modifications).

Labcorp Genetics (formerly Invitae), Labcorp
Classification: Likely benign. Last evaluated: 2024-12-29. Review status: criteria provided, single submitter. Criteria: Invitae Variant Classification Sherloc (09022015). Collection method: clinical testing. Allele origin: germline.

NM_006431.3(CCT2):c.330A>G (p.Leu110=)

Gene: CCT2 (chaperonin containing TCP1 subunit 2; plus strand). Cytogenetic location: 12q15.
Variant type: single nucleotide variant.
Coding change: c.330A>G on transcript NM_006431.3 (MANE Select); coding-DNA position 330, A replaced by G.
Protein change: p.Leu110=; no amino-acid change (leucine 110 retained).
Molecular consequence: synonymous variant.
Genome position (GRCh38, 1-based): chr12:69,588,003, A>G. VCF-style: chr12-69588003-A-G. GRCh37 (hg19) VCF-style: chr12-69981783-A-G.
Other names: c.189A>G, p.Leu63= (NM_001198842.2); c.330A>G (NM_006431.2).
Identifiers: ClinVar variation 1088781 (VCV001088781.10), dbSNP rs142946611, ClinGen allele CA6680533.
Genomic context (GRCh38, chr12:69,588,003, plus strand): 5'-TCAAGATGATGAAGTTGGTGATGGCACTACCTCTGTTACCGTTTTAGCAGCAGAATTATT[A>G]AGGGTAAGAGCAACTAAGCAACTCTTTTTTCCTACTGTGTTTTTGAGTATCAGAGGTAAT-3'
Protein context (NP_006422.1, residues 100-120): TSVTVLAAEL[Leu110=]REAESLIAKK